The following is an entry in ClinVar:

ClinVar aggregate classification (germline): Uncertain significance (1 of 4 stars; one submission).

Conditions:
Congenital muscular hypertrophy-cerebral syndrome (CDLS2). Also called: Cornelia de Lange syndrome 2; SMC1A-Related Cornelia de Lange Syndrome. Identifiers: Orphanet 199, MedGen C1802395, MONDO:0010370, OMIM 300590.

Allele frequency attached by ClinVar (database versions not stated): gnomAD 0.00001; TOPMed 0.00001.
gnomAD v4.1: 1 of 1,208,020 alleles (0.000083%); highest among the groups gnomAD compares: Non-Finnish European, 0.00011%; no homozygotes.

Submission:

Labcorp Genetics (formerly Invitae), Labcorp
Classification: Uncertain significance for Congenital muscular hypertrophy-cerebral syndrome. Last evaluated: 2024-02-16. Review status: criteria provided, single submitter. Criteria: Invitae Variant Classification Sherloc (09022015). Collection method: clinical testing. Allele origin: germline.
Comment: This sequence change falls in intron 18 of the SMC1A gene. It does not directly change the encoded amino acid sequence of the SMC1A protein. It affects a nucleotide within the consensus splice site. This variant is not present in population databases (gnomAD no frequency). This variant has not been reported in the literature in individuals affected with SMC1A-related conditions. ClinVar contains an entry for this variant (Variation ID: 1485610). Variants that disrupt the consensus splice site are a relatively common cause of aberrant splicing (PMID: 17576681, 9536098). Algorithms developed to predict the effect of sequence changes on RNA splicing suggest that this variant is not likely to affect RNA splicing. In summary, the available evidence is currently insufficient to determine the role of this variant in disease. Therefore, it has been classified as a Variant of Uncertain Significance.

Literature cited by the submitters: PubMed 17576681; PubMed 9536098.

NM_006306.4(SMC1A):c.2862+4A>C

Gene: SMC1A (structural maintenance of chromosomes 1A; minus strand). Cytogenetic location: Xp11.22.
Variant type: single nucleotide variant.
Coding change: c.2862+4A>C on transcript NM_006306.4 (MANE Select); 4 bases into the intron after coding-DNA position 2862, A replaced by C.
Molecular consequence: intron variant.
Genome position (GRCh38, 1-based): chrX:53,396,223, T>G on the plus strand (A>C on the coding strand, the complement: SMC1A is on the minus strand). VCF-style: chrX-53396223-T-G. GRCh37 (hg19) VCF-style: chrX-53423143-T-G.
Other names: c.2796+4A>C (NM_001281463.1).
Identifiers: ClinVar variation 1485610 (VCV001485610.6), dbSNP rs1445281439, ClinGen allele CA876277976.
Genomic context (GRCh38, chrX:53,396,223, plus strand): 5'-TTCACTCCCCATCCCTGGTTAATGATGTTCATCGCCCACTCCCACCACCAGCCACAATAC[T>G]CACCTCTTCCTGACTAATATCATCCATGGTGCCTTTTGACAGTGGCAACTTAATGTCCTG-3'